The following is an entry in ClinVar:

NM_002250.3(KCNN4):c.1075C>T (p.Arg359Trp)

Gene: KCNN4 (potassium calcium-activated channel subfamily N member 4; minus strand). Cytogenetic location: 19q13.31.
Variant type: single nucleotide variant.
Coding change: c.1075C>T on transcript NM_002250.3 (MANE Select); coding-DNA position 1075, C replaced by T.
Protein change: p.Arg359Trp; replaces arginine 359 with tryptophan.
Molecular consequence: missense variant.
Genome position (GRCh38, 1-based): chr19:43,769,007, G>A on the plus strand (C>T on the coding strand, the complement: KCNN4 is on the minus strand). VCF-style: chr19-43769007-G-A. GRCh37 (hg19) VCF-style: chr19-44273159-G-A.
Other names: short protein forms R359W.
Identifiers: ClinVar variation 4803177 (VCV004803177.2).
Genomic context (GRCh38, chr19:43,769,007, plus strand): 5'-CACGGGATCCTAGTACCTTGGAGATGTCCACCATGGAGTTCACTTGTTCCCGGAGCTTCC[G>A]GTGTTTCAGCCGCACCTGGCGGAACCTGTGGGAAGAAGTGGGGAGTCAGTTTTACAAGCC-3'
Protein context (NP_002241.1, residues 349-369): NAFRQVRLKH[Arg359Trp]KLREQVNSMV

ClinVar aggregate classification (germline): Likely benign. Review status: criteria provided, multiple submitters, no conflicts (2 of 4 stars). 2 submissions from 2 submitters: Likely benign (2). Last evaluated 2026-07-01.

gnomAD v4.1: 73 of 1,613,940 alleles (0.0045%); highest among the groups gnomAD compares: Admixed American, 0.11%; no homozygotes.

Submissions (2):

CeGaT Center for Human Genetics Tuebingen
Classification: Likely benign. Last evaluated: 2026-07-01. Review status: criteria provided, single submitter. Criteria: CeGaT Center For Human Genetics Tuebingen Variant Classification Criteria Version 2. Collection method: clinical testing. Allele origin: germline. Affected: yes. Observed: 1 variant allele.
Comment: KCNN4: BS1

Labcorp Genetics (formerly Invitae), Labcorp
Classification: Likely benign. Last evaluated: 2026-01-29. Review status: criteria provided, single submitter. Criteria: Invitae Variant Classification Sherloc (09022015). Collection method: clinical testing. Allele origin: germline.